The following is an entry in ClinVar:

ClinVar aggregate classification (germline): Uncertain significance (1 of 4 stars; one submission).

Conditions:
Hereditary cancer-predisposing syndrome. Also called: Tumor predisposition; Neoplastic Syndromes, Hereditary; Hereditary Cancer Syndrome; Hereditary neoplastic syndrome. Identifiers: Orphanet 140162, MedGen C0027672, MeSH D009386, MONDO:0015356.

Submission:

Ambry Genetics
Classification: Uncertain significance for Hereditary cancer-predisposing syndrome. Last evaluated: 2025-08-25. Review status: criteria provided, single submitter. Criteria: Ambry Variant Classification Scheme 2023. Collection method: clinical testing. Allele origin: germline.
Comment: The p.L2390F variant (also known as c.7170A>C), located in coding exon 48 of the ATM gene, results from an A to C substitution at nucleotide position 7170. The leucine at codon 2390 is replaced by phenylalanine, an amino acid with highly similar properties. This amino acid position is highly conserved in available vertebrate species. In addition, the in silico prediction for this alteration is inconclusive. Since supporting evidence is limited at this time, the clinical significance of this alteration remains unclear.

NM_000051.4(ATM):c.7170A>C (p.Leu2390Phe)

Genes: ATM (ATM serine/threonine kinase; plus strand), C11orf65 (chromosome 11 open reading frame 65; minus strand). Cytogenetic location: 11q22.3.
Variant type: single nucleotide variant.
Coding change: c.7170A>C on transcript NM_000051.4 (MANE Select); coding-DNA position 7170, A replaced by C.
Protein change: p.Leu2390Phe; replaces leucine 2390 with phenylalanine.
Molecular consequence: missense variant. On other transcripts: intron variant (2).
Genome position (GRCh38, 1-based): chr11:108,329,101, A>C. VCF-style: chr11-108329101-A-C. GRCh37 (hg19) VCF-style: chr11-108199828-A-C.
Other names: c.7170A>C, p.Leu2390Phe (NM_001351834.2); c.641-20030T>G (NM_001330368.2); c.*38+6119T>G (NM_001351110.2); short protein forms L2390F.
Identifiers: ClinVar variation 826886 (VCV000826886.7), dbSNP rs1591150977, ClinGen allele CA382559552.